The following is an entry in ClinVar:

NM_054012.4(ASS1):c.1047del (p.Gln350fs)

Gene: ASS1 (argininosuccinate synthase 1; plus strand). Cytogenetic location: 9q34.11.
Variant type: Deletion.
Coding change: c.1047del on transcript NM_054012.4 (MANE Select); coding-DNA position 1047, one base deleted (G; older notation c.1047delG).
Protein change: p.Gln350fs; shifts the reading frame from glutamine 350.
Molecular consequence: frameshift variant.
Genome position (GRCh38, 1-based): chr9:130,494,943, G deleted. VCF-style (leftmost placement, unchanged base first): chr9-130494942-TG-T. GRCh37 (hg19) VCF-style: chr9-133370329-TG-T.
Other names: c.1047del, p.Gln350fs (NM_000050.4); short protein forms Q350fs.
Identifiers: ClinVar variation 2679080 (VCV002679080.2), dbSNP rs2490621912, ClinGen allele CA2695199424.

ClinVar aggregate classification (germline): Likely pathogenic. Review status: criteria provided, multiple submitters, no conflicts (2 of 4 stars). 2 submissions from 2 submitters: Likely pathogenic (2). Last evaluated 2024-12-23.

Conditions:
Citrullinemia type I (CTNL1). Also called: argininosuccinate synthetase deficiency; ASS DEFICIENCY. Identifiers: Orphanet 247525, MedGen C4721769, MONDO:0008988, OMIM 215700.

Submissions (2):

Natera, Inc.
Classification: Likely pathogenic for Citrullinemia type I. Last evaluated: 2024-12-23. Review status: criteria provided, single submitter. Criteria: Natera Variant Classification Schema (03/2026). Collection method: clinical testing. Allele origin: germline.
Comment: The c.1047del variant in ASS1 is a frameshift variant predicted to shift the reading frame beginning at codon 350 and leads to a stop codon 26 codons downstream. This variant is expected to result in nonsense mediated decay, truncation, or a dysfunctional protein product. This variant is rare in the general population with a frequency below the threshold expected for the associated phenotype(s). Given the available evidence, this variant is classified as Likely Pathogenic.

Baylor Genetics
Classification: Likely pathogenic for Citrullinemia type I. Last evaluated: 2022-09-08. Review status: criteria provided, single submitter. Criteria: ACMG Guidelines, 2015. Collection method: clinical testing. Allele origin: unknown.